The following is an entry in ClinVar:

ClinVar aggregate classification (germline): Likely pathogenic. Review status: criteria provided, multiple submitters, no conflicts (2 of 4 stars). 2 submissions from 2 submitters: Likely pathogenic (2). Last evaluated 2025-12-23.

Conditions:
Medium-chain acyl-coenzyme A dehydrogenase deficiency (ACADMD). Also called: Medium chain acyl-CoA dehydrogenase deficiency; CARNITINE DEFICIENCY SECONDARY TO MEDIUM-CHAIN ACYL-CoA DEHYDROGENASE DEFICIENCY; ACADM DEFICIENCY; MCADH DEFICIENCY; MCAD Deficiency; MCADD. Identifiers: Orphanet 42, MedGen C0220710, MONDO:0008721, OMIM 201450.

Submissions (2):

Labcorp Genetics (formerly Invitae), Labcorp
Classification: Likely pathogenic for Medium-chain acyl-coenzyme A dehydrogenase deficiency. Last evaluated: 2025-12-23. Review status: criteria provided, single submitter. Criteria: Invitae Variant Classification Sherloc (09022015). Collection method: clinical testing. Allele origin: germline.
Comment: This sequence change replaces alanine, which is neutral and non-polar, with proline, which is neutral and non-polar, at codon 324 of the ACADM protein (p.Ala324Pro). This variant is not present in population databases (gnomAD no frequency). This missense change has been observed in individual(s) with medium-chain acyl-coenzyme A dehydrogenase deficiency (PMID: 20036593, 30675864, 36068006). Invitae Evidence Modeling of protein sequence and biophysical properties (such as structural, functional, and spatial information, amino acid conservation, physicochemical variation, residue mobility, and thermodynamic stability) indicates that this missense variant is expected to disrupt ACADM protein function with a positive predictive value of 80%. This variant disrupts the p.Ala324 amino acid residue in ACADM. Other variant(s) that disrupt this residue have been observed in individuals with ACADM-related conditions (PMID: 30675864, 33841490), which suggests that this may be a clinically significant amino acid residue. In summary, the currently available evidence indicates that the variant is pathogenic, but additional data are needed to prove that conclusively. Therefore, this variant has been classified as Likely Pathogenic.

Natera, Inc.
Classification: Likely pathogenic for Medium Chain Acyl-CoA Dehydrogenase Deficiency. Last evaluated: 2025-07-28. Review status: criteria provided, single submitter. Criteria: Natera Variant Classification Schema (03/2026). Collection method: clinical testing. Allele origin: germline.
Comment: The c.970G>C variant in ACADM is a missense variant predicted to cause substitution of alanine to proline at amino acid 324. This variant is rare in the general population with a frequency below the threshold expected for the associated phenotype(s). This variant has been observed in one or more individuals affected with the associated recessive disease, as either homozygous or compound heterozygous with a second variant (PMID: 36068006, 20036593). This variant has been identified in one or more affected individuals with a phenotype highly consistent with the associated gene (PMID: 3606800). Computational prediction algorithms indicate this variant is likely to affect gene or protein function. Given the available evidence, this variant is classified as Likely Pathogenic.

Literature cited by the submitters: PubMed 20036593 (cited by Labcorp Genetics (formerly Invitae), Labcorp and Natera, Inc.); PubMed 30675864 (cited by Labcorp Genetics (formerly Invitae), Labcorp); PubMed 36068006 (cited by Labcorp Genetics (formerly Invitae), Labcorp and Natera, Inc.); PubMed 33841490 (cited by Labcorp Genetics (formerly Invitae), Labcorp); PubMed 3606800 (cited by Natera, Inc.).

NM_000016.6(ACADM):c.970G>C (p.Ala324Pro)

Gene: ACADM (acyl-CoA dehydrogenase medium chain; plus strand). Cytogenetic location: 1p31.1.
Variant type: single nucleotide variant.
Coding change: c.970G>C on transcript NM_000016.6 (MANE Select); coding-DNA position 970, G replaced by C.
Protein change: p.Ala324Pro; replaces alanine 324 with proline.
Molecular consequence: missense variant.
Genome position (GRCh38, 1-based): chr1:75,761,146, G>C. VCF-style: chr1-75761146-G-C. GRCh37 (hg19) VCF-style: chr1-76226831-G-C.
Other names: c.982G>C, p.Ala328Pro (NM_001127328.3); c.862G>C, p.Ala288Pro (NM_001286042.2); c.1069G>C, p.Ala357Pro (NM_001286043.2); c.403G>C, p.Ala135Pro (NM_001286044.2); short protein forms A288P, A328P, A324P, A135P, A357P.
Identifiers: ClinVar variation 4739067 (VCV004739067.2).